The following is an entry in ClinVar:

ClinVar aggregate classification (germline): Likely benign (0 of 4 stars; one submission).

Conditions:
SCRIB-related disorder. Also called: SCRIB-related condition.

Allele frequency attached by ClinVar (database versions not stated): ESP Exome Variant Server 0.00008; TOPMed 0.00014; gnomAD 0.00015; gnomAD exomes 0.00015; ExAC 0.00017.
gnomAD v4.1: 234 of 1,612,534 alleles (0.015%); highest among the groups gnomAD compares: Non-Finnish European, 0.019%; no homozygotes.

Submission:

PreventionGenetics, part of Exact Sciences
Classification: Likely benign for SCRIB-related condition. Last evaluated: 2019-03-29. Review status: no assertion criteria provided. Collection method: clinical testing. Allele origin: germline.
Comment: This variant is classified as likely benign based on ACMG/AMP sequence variant interpretation guidelines (Richards et al. 2015 PMID: 25741868, with internal and published modifications).

NM_182706.5(SCRIB):c.643-4G>A

Genes: MIR937 (microRNA 937; minus strand), SCRIB (scribble planar cell polarity protein; minus strand). Cytogenetic location: 8q24.3.
Variant type: single nucleotide variant.
Coding change: c.643-4G>A on transcript NM_182706.5 (MANE Select); 4 bases into the intron before coding-DNA position 643, G replaced by A.
Molecular consequence: intron variant. On other transcripts: non-coding transcript variant (1).
Genome position (GRCh38, 1-based): chr8:143,812,965, C>T on the plus strand (G>A on the coding strand, the complement: SCRIB is on the minus strand). VCF-style: chr8-143812965-C-T. GRCh37 (hg19) VCF-style: chr8-144895135-C-T.
Other names: c.643-4G>A (NM_015356.5).
Identifiers: ClinVar variation 3049137 (VCV003049137.2), dbSNP rs199502882, ClinGen allele CA187612718.